The following is an entry in ClinVar:

NM_016156.6(MTMR2):c.155C>T (p.Thr52Ile)

Gene: MTMR2 (myotubularin related protein 2; minus strand). Cytogenetic location: 11q21.
Variant type: single nucleotide variant.
Coding change: c.155C>T on transcript NM_016156.6 (MANE Select); coding-DNA position 155, C replaced by T.
Protein change: p.Thr52Ile; replaces threonine 52 with isoleucine.
Molecular consequence: missense variant. On other transcripts: 5 prime UTR variant (3).
Genome position (GRCh38, 1-based): chr11:95,888,187, G>A on the plus strand (C>T on the coding strand, the complement: MTMR2 is on the minus strand). VCF-style: chr11-95888187-G-A. GRCh37 (hg19) VCF-style: chr11-95621351-G-A.
Other names: c.-258C>T (NM_001243571.2); c.-185C>T (NM_201278.3); c.-62C>T (NM_201281.3); short protein forms T52I.
Identifiers: ClinVar variation 1059867 (VCV001059867.9), dbSNP rs2135548901, ClinGen allele CA382406203.

ClinVar aggregate classification (germline): Uncertain significance (1 of 4 stars; one submission).

Conditions:
Charcot-Marie-Tooth disease type 4. Also called: Charcot-Marie-Tooth, Type 4; Charcot-Marie-Tooth disease, type IV. Identifiers: Orphanet 64749, MedGen C4082197, MONDO:0018995.

Allele frequency attached by ClinVar (database versions not stated): gnomAD exomes below 0.00001.
gnomAD v4.1: 2 of 1,613,430 alleles (0.00012%); highest among the groups gnomAD compares: African/African-American, 0.0013%; no homozygotes.

Submission:

Labcorp Genetics (formerly Invitae), Labcorp
Classification: Uncertain significance for Charcot-Marie-Tooth disease type 4. Last evaluated: 2020-03-26. Review status: criteria provided, single submitter. Criteria: Invitae Variant Classification Sherloc (09022015). Collection method: clinical testing. Allele origin: germline.
Comment: This variant is not present in population databases (ExAC no frequency). In summary, the available evidence is currently insufficient to determine the role of this variant in disease. Therefore, it has been classified as a Variant of Uncertain Significance. Algorithms developed to predict the effect of missense changes on protein structure and function are either unavailable or do not agree on the potential impact of this missense change (SIFT: "Deleterious"; PolyPhen-2: "Possibly Damaging"; Align-GVGD: "Class C0"). This variant has not been reported in the literature in individuals with MTMR2-related conditions. This sequence change replaces threonine with isoleucine at codon 52 of the MTMR2 protein (p.Thr52Ile). The threonine residue is moderately conserved and there is a moderate physicochemical difference between threonine and isoleucine.